The following is an entry in ClinVar:

ClinVar aggregate classification (germline): Benign (1 of 4 stars; one submission).

Allele frequency attached by ClinVar (database versions not stated): gnomAD exomes 0.00747; gnomAD 0.01217; 1000 Genomes Project 0.01877; 1000 Genomes Project 30x 0.02061; TOPMed 0.02099.

Submission:

Unidad de Genómica Garrahan, Hospital de Pediatría Garrahan
Classification: Benign. Last evaluated: 2023-11-12. Review status: criteria provided, single submitter. Criteria: ACMG Guidelines, 2015. Collection method: clinical testing. Allele origin: germline. Affected: no. Observed: 21 variant alleles.
Comment: This variant is classified as Benign based on local population frequency. This variant was detected in 22% of patients studied by a panel of primary immunodeficiencies. Number of patients: 21. Only high quality variants are reported.

NM_001128148.3(TFRC):c.1468+84T>C

Gene: TFRC (transferrin receptor; minus strand). Cytogenetic location: 3q29.
Variant type: single nucleotide variant.
Coding change: c.1468+84T>C on transcript NM_001128148.3 (MANE Select); 84 bases into the intron after coding-DNA position 1468, T replaced by C.
Molecular consequence: intron variant.
Genome position (GRCh38, 1-based): chr3:196,062,498, A>G on the plus strand (T>C on the coding strand, the complement: TFRC is on the minus strand). VCF-style: chr3-196062498-A-G. GRCh37 (hg19) VCF-style: chr3-195789369-A-G.
Other names: c.622+84T>C (NM_001313966.2); c.1225+84T>C (NM_001313965.2); c.1468+84T>C (NM_003234.4).
Identifiers: ClinVar variation 2628290 (VCV002628290.2), dbSNP rs41297461, ClinGen allele CA90749507.